The following is an entry in ClinVar:

NM_020975.6(RET):c.2608-14A>G

Gene: RET (ret proto-oncogene; plus strand). Cytogenetic location: 10q11.21.
Variant type: single nucleotide variant.
Coding change: c.2608-14A>G on transcript NM_020975.6 (MANE Select); 14 bases into the intron before coding-DNA position 2608, A replaced by G.
Molecular consequence: intron variant.
Genome position (GRCh38, 1-based): chr10:43,120,067, A>G. VCF-style: chr10-43120067-A-G. GRCh37 (hg19) VCF-style: chr10-43615515-A-G.
Other names: c.1882-14A>G (NM_001406778.1, NM_001406775.1, NM_001406776.1 and 1 more transcripts); c.1423-14A>G (NM_001406790.1, NM_001406788.1, NM_001406789.1); c.1303-14A>G (NM_001406791.1); c.1618-14A>G (NM_001406784.1); c.1159-14A>G (NM_001406794.1, NM_001406792.1, NM_001406793.1); c.1846-14A>G (NM_001355216.2); c.2608-14A>G (NM_020630.7, NM_001406743.1, NM_001406744.1 and 2 more transcripts); c.2473-14A>G (NM_001406765.1, NM_001406763.1); and 10 more.
Identifiers: ClinVar variation 2169990 (VCV002169990.5), dbSNP rs2132957885, ClinGen allele CA2580081521.
Genomic context (GRCh38, chr10:43,120,067, plus strand): 5'-GGTCACACCAGGCTGAGCCAGTGACCGCTGCTGCCTGGCCATGGCCTGACGACTCGTGCT[A>G]TTTTTCCTCACAGCTCGTTCATCGGGACTTGGCAGCCAGAAACATCCTGGTAGCTGAGGG-3'

ClinVar aggregate classification (germline): Likely benign. Review status: criteria provided, multiple submitters, no conflicts (2 of 4 stars). 2 submissions from 2 submitters: Likely benign (2). Last evaluated 2025-08-18.

Conditions:
Multiple endocrine neoplasia, type 2 (MEN2). Identifiers: Orphanet 653, MedGen C4048306, MONDO:0019003. Disease mechanism: gain of function.
Multiple endocrine neoplasia type 2A. Also called: Multiple Endocrine Neoplasia Type 2A (MEN2A); MULTIPLE ENDOCRINE NEOPLASIA, TYPE IIA; PTC SYNDROME; SIPPLE SYNDROME; MEN 2A; MEN-2A syndrome. Identifiers: Orphanet 247698, Orphanet 653, MedGen C0025268, MeSH D018813, MONDO:0008234, OMIM 171400.

Allele frequency attached by ClinVar (database versions not stated): gnomAD exomes below 0.00001.
gnomAD v4.1: 2 of 1,613,236 alleles (0.00012%); highest among the groups gnomAD compares: Admixed American, 0.0017%; no homozygotes.

Submissions (2):

Labcorp Genetics (formerly Invitae), Labcorp
Classification: Likely benign for Multiple endocrine neoplasia, type 2. Last evaluated: 2025-08-18. Review status: criteria provided, single submitter. Criteria: Invitae Variant Classification Sherloc (09022015). Collection method: clinical testing. Allele origin: germline.

Myriad Genetics, Inc.
Classification: Likely benign for Multiple endocrine neoplasia type 2A. Last evaluated: 2025-02-27. Review status: criteria provided, single submitter. Criteria: Myriad Autosomal Dominant, Autosomal Recessive and X-Linked Classification Criteria (2023). Collection method: clinical testing. Allele origin: unknown.
Comment: This variant is considered likely benign. This variant is intronic and is not expected to impact mRNA splicing.